The following is an entry in ClinVar:

ClinVar aggregate classification (germline): Uncertain significance (1 of 4 stars; one submission).

Submission:

GeneDx
Classification: Uncertain significance. Last evaluated: 2017-05-04. Review status: criteria provided, single submitter. Criteria: GeneDx Variant Classification (06012015). Collection method: clinical testing. Allele origin: germline. Affected: yes.
Comment: The I239F variant in the TGFB2 gene has not been reported previously as a pathogenic variant, nor as a benign variant, to our knowledge. The I239F variant is not observed in large population cohorts (Lek et al., 2016; 1000 Genomes Consortium et al., 2015; Exome Variant Server). The I239F variant is a conservative amino acid substitution, which is not likely to impact secondary protein structure as these residues share similar properties. While this substitution occurs at a position that is conserved across species, in silico analysis is inconsistent in its predictions as to whether or not the variant is damaging to the protein structure/function. We interpret I239F as a variant of uncertain significance.

NM_003238.6(TGFB2):c.715A>T (p.Ile239Phe)

Gene: TGFB2 (transforming growth factor beta 2; plus strand). Cytogenetic location: 1q41.
Variant type: single nucleotide variant.
Coding change: c.715A>T on transcript NM_003238.6 (MANE Select); coding-DNA position 715, A replaced by T.
Protein change: p.Ile239Phe; replaces isoleucine 239 with phenylalanine.
Molecular consequence: missense variant. On other transcripts: non-coding transcript variant (2).
Genome position (GRCh38, 1-based): chr1:218,434,409, A>T. VCF-style: chr1-218434409-A-T. GRCh37 (hg19) VCF-style: chr1-218607751-A-T.
Other names: c.799A>T, p.Ile267Phe (NM_001135599.4); short protein forms I239F, I267F.
Identifiers: ClinVar variation 429546 (VCV000429546.2), dbSNP rs1131691445, ClinGen allele CA344726885.